The following is an entry in ClinVar:

ClinVar aggregate classification (germline): Uncertain significance (1 of 4 stars; one submission).

Submission:

Women's Health and Genetics/Laboratory Corporation of America, LabCorp
Classification: Uncertain significance. Last evaluated: 2023-12-22. Review status: criteria provided, single submitter. Criteria: LabCorp Variant Classification Summary - May 2015. Collection method: clinical testing. Allele origin: germline.
Comment: Variant summary: The variant involves the duplication of exons 1-9 in the HTRA1 gene. A presumed nomenclature of c.(?_-101)_(*549_?)dup has been designated for the purposes of this classification. This duplication includes the entire coding sequence of the gene. As exact breakpoints are unknown, it may extend beyond the annotated region of the gene, to include other flanking genes. The variant was absent in 21694 control chromosomes (gnomAD). The available data on variant occurrences in the general population are insufficient to allow any conclusion about variant significance. To our knowledge, no occurrence of c.(?_-101)_(*549_?)dup in individuals affected with HTRA1-Related Cerebral Small Vessel Disease and no experimental evidence demonstrating its impact on protein function have been reported. One submitter has cited a clinical-significance assessment for this variant to ClinVar after 2014 and has classified the variant as uncertain significance. Based on the evidence outlined above, the variant was classified as uncertain significance.

NC_000010.10:g.(?_124221068)_(124274424_?)dup

Gene: HTRA1 (HtrA serine peptidase 1; plus strand). Cytogenetic location: 10q26.13.
Variant type: Duplication.
Identifiers: ClinVar variation 2691386 (VCV002691386.1).